The following is an entry in ClinVar:

ClinVar aggregate classification (germline): Uncertain significance (1 of 4 stars; one submission).

Conditions:
Marfan syndrome (MFS). Also called: MARFAN SYNDROME, TYPE I; Marfan syndrome type 1; Marfan's syndrome; Marfan syndrome, classic; FBN1-Related Marfan Syndrome. Identifiers: Orphanet 284963, Orphanet 558, MedGen C0024796, MONDO:0007947, OMIM 154700.
Familial thoracic aortic aneurysm and aortic dissection (TAAD). Also called: Thoracic aortic aneurysms and dissections. Identifiers: Orphanet 91387, MedGen C4707243, MONDO:0019625.

Submission:

Labcorp Genetics (formerly Invitae), Labcorp
Classification: Uncertain significance for Marfan syndrome; Familial thoracic aortic aneurysm and aortic dissection. Last evaluated: 2023-04-06. Review status: criteria provided, single submitter. Criteria: Invitae Variant Classification Sherloc (09022015). Collection method: clinical testing. Allele origin: germline.
Comment: This variant has not been reported in the literature in individuals affected with FBN1-related conditions. This sequence change replaces glycine, which is neutral and non-polar, with alanine, which is neutral and non-polar, at codon 1313 of the FBN1 protein (p.Gly1313Ala). This variant is not present in population databases (gnomAD no frequency). Advanced modeling of protein sequence and biophysical properties (such as structural, functional, and spatial information, amino acid conservation, physicochemical variation, residue mobility, and thermodynamic stability) has been performed at Invitae for this missense variant, however the output from this modeling did not meet the statistical confidence thresholds required to predict the impact of this variant on FBN1 protein function. In summary, the available evidence is currently insufficient to determine the role of this variant in disease. Therefore, it has been classified as a Variant of Uncertain Significance.

NM_000138.5(FBN1):c.3938G>C (p.Gly1313Ala)

Gene: FBN1 (fibrillin 1; minus strand). Cytogenetic location: 15q21.1.
Variant type: single nucleotide variant.
Coding change: c.3938G>C on transcript NM_000138.5 (MANE Select); coding-DNA position 3938, G replaced by C.
Protein change: p.Gly1313Ala; replaces glycine 1313 with alanine.
Molecular consequence: missense variant.
Genome position (GRCh38, 1-based): chr15:48,481,681, C>G on the plus strand (G>C on the coding strand, the complement: FBN1 is on the minus strand). VCF-style: chr15-48481681-C-G. GRCh37 (hg19) VCF-style: chr15-48773878-C-G.
Other names: c.3938G>C, p.Gly1313Ala (NM_001406716.1); short protein forms G1313A.
Identifiers: ClinVar variation 2925637 (VCV002925637.3), dbSNP rs2505533328, ClinGen allele CA392322244.